The following is an entry in ClinVar:

NM_000143.4(FH):c.648T>G (p.Asp216Glu)

Gene: FH (fumarate hydratase; minus strand). Cytogenetic location: 1q43.
Variant type: single nucleotide variant.
Coding change: c.648T>G on transcript NM_000143.4 (MANE Select); coding-DNA position 648, T replaced by G.
Protein change: p.Asp216Glu; replaces aspartic acid 216 with glutamic acid.
Molecular consequence: missense variant.
Genome position (GRCh38, 1-based): chr1:241,508,693, A>C on the plus strand (T>G on the coding strand, the complement: FH is on the minus strand). VCF-style: chr1-241508693-A-C. GRCh37 (hg19) VCF-style: chr1-241671993-A-C.
Other names: c.648T>G (NM_000143.3); short protein forms D216E.
Identifiers: ClinVar variation 1047745 (VCV001047745.15), dbSNP rs199536615, ClinGen allele CA345439317.

ClinVar aggregate classification (germline): Uncertain significance. Review status: criteria provided, multiple submitters, no conflicts (2 of 4 stars). 4 submissions from 4 submitters: Uncertain significance (3). 1 of the submissions does not count toward it. Last evaluated 2024-02-28.

Conditions:
Fumarase deficiency (FMRD). Also called: Fumarate Hydratase Deficiency; Fumaric aciduria. Identifiers: Orphanet 24, MedGen C0342770, MONDO:0011730, OMIM 606812.
Hereditary leiomyomatosis and renal cell cancer. Also called: LEIOMYOMA, MULTIPLE CUTANEOUS; MULTIPLE CUTANEOUS AND UTERINE LEIOMYOMATA 1, WITH OR WITHOUT RENAL CELL CARCINOMA; Reed syndrome; Multiple cutaneous and uterine leiomyomatosis; Cutaneous leiomyomata with uterine leiomyomata; Leiomyoma, hereditary multiple, of skin. Identifiers: Orphanet 523, MedGen C1708350, MONDO:0007888, OMIM 150800, HP:0007437. Disease mechanism: loss of function.
Hereditary cancer-predisposing syndrome. Also called: Tumor predisposition; Neoplastic Syndromes, Hereditary; Hereditary neoplastic syndrome; Hereditary Cancer Syndrome. Identifiers: Orphanet 140162, MedGen C0027672, MeSH D009386, MONDO:0015356.

Submissions (4):

Fulgent Genetics
Classification: Uncertain significance for Hereditary leiomyomatosis and renal cell cancer; Fumarase deficiency. Last evaluated: 2024-02-28. Review status: criteria provided, single submitter. Criteria: ACMG Guidelines, 2015. Collection method: clinical testing. Allele origin: germline.

Ambry Genetics
Classification: Uncertain significance for Hereditary cancer-predisposing syndrome. Last evaluated: 2023-07-21. Review status: criteria provided, single submitter. Criteria: Ambry Variant Classification Scheme 2023. Collection method: clinical testing. Allele origin: germline.
Comment: The p.D216E variant (also known as c.648T>G), located in coding exon 5 of the FH gene, results from a T to G substitution at nucleotide position 648. The aspartic acid at codon 216 is replaced by glutamic acid, an amino acid with highly similar properties. This amino acid position is well conserved in available vertebrate species. In addition, the in silico prediction for this alteration is inconclusive. Since supporting evidence is limited at this time, the clinical significance of this alteration remains unclear.

Labcorp Genetics (formerly Invitae), Labcorp
Classification: Uncertain significance. Last evaluated: 2022-11-25. Review status: criteria provided, single submitter. Criteria: Invitae Variant Classification Sherloc (09022015). Collection method: clinical testing. Allele origin: germline.
Comment: In summary, the available evidence is currently insufficient to determine the role of this variant in disease. Therefore, it has been classified as a Variant of Uncertain Significance. Advanced modeling of protein sequence and biophysical properties (such as structural, functional, and spatial information, amino acid conservation, physicochemical variation, residue mobility, and thermodynamic stability) performed at Invitae indicates that this missense variant is not expected to disrupt FH protein function. ClinVar contains an entry for this variant (Variation ID: 1047745). This variant has not been reported in the literature in individuals affected with FH-related conditions. This variant is not present in population databases (gnomAD no frequency). This sequence change replaces aspartic acid, which is acidic and polar, with glutamic acid, which is acidic and polar, at codon 216 of the FH protein (p.Asp216Glu).

Natera, Inc.
Classification: Uncertain significance for Fumarase Deficiency. Last evaluated: 2021-10-19. Review status: no assertion criteria provided. Collection method: clinical testing. Allele origin: germline. Not counted in ClinVar's aggregate classification.